The following is an entry in ClinVar:

ClinVar aggregate classification (germline): Uncertain significance (1 of 4 stars; one submission).

Conditions:
Adenylosuccinate lyase deficiency (ADSLD). Also called: ADSL DEFICIENCY. Identifiers: Orphanet 46, MedGen C0268126, MONDO:0007068, OMIM 103050.

Allele frequency attached by ClinVar (database versions not stated): TOPMed 0.00001.

Submission:

Labcorp Genetics (formerly Invitae), Labcorp
Classification: Uncertain significance for Adenylosuccinate lyase deficiency. Last evaluated: 2022-06-28. Review status: criteria provided, single submitter. Criteria: Invitae Variant Classification Sherloc (09022015). Collection method: clinical testing. Allele origin: germline.
Comment: This variant occurs in a non-coding region of the ADSL gene. It does not change the encoded amino acid sequence of the ADSL protein. This variant is not present in population databases (gnomAD no frequency). This variant has not been reported in the literature in individuals affected with ADSL-related conditions. Experimental studies and prediction algorithms are not available or were not evaluated, and the functional significance of this variant is currently unknown. In summary, the available evidence is currently insufficient to determine the role of this variant in disease. Therefore, it has been classified as a Variant of Uncertain Significance.

NC_000022.11:g.40345594G>C

Gene: ADSL (adenylosuccinate lyase; plus strand). Cytogenetic location: 22q13.1.
Variant type: single nucleotide variant.
Genome position: GRCh38 VCF-style: chr22-40345594-G-C. GRCh37 (hg19) VCF-style: chr22-40741598-G-C.
Identifiers: ClinVar variation 1927823 (VCV001927823.3), dbSNP rs1044326761, ClinGen allele CA2405715393.